The following is an entry in ClinVar:

NM_030928.4(CDT1):c.292A>G (p.Ile98Val)

Gene: CDT1 (chromatin licensing and DNA replication factor 1; plus strand). Cytogenetic location: 16q24.3.
Variant type: single nucleotide variant.
Coding change: c.292A>G on transcript NM_030928.4 (MANE Select); coding-DNA position 292, A replaced by G.
Protein change: p.Ile98Val; replaces isoleucine 98 with valine.
Molecular consequence: missense variant.
Genome position (GRCh38, 1-based): chr16:88,804,608, A>G. VCF-style: chr16-88804608-A-G. GRCh37 (hg19) VCF-style: chr16-88871016-A-G.
Other names: short protein forms I98V.
Identifiers: ClinVar variation 434672 (VCV000434672.42), dbSNP rs142692932, ClinGen allele CA8233554.

ClinVar aggregate classification (germline): Benign/Likely benign. Review status: criteria provided, multiple submitters, no conflicts (2 of 4 stars). 5 submissions from 5 submitters: Benign (3); Likely benign (1). 1 of the submissions does not count toward it. Last evaluated 2026-01-13.

Conditions:
CDT1-related disorder. Also called: CDT1-related condition.

Allele frequency attached by ClinVar (database versions not stated): gnomAD exomes 0.00132; ExAC 0.00154; 1000 Genomes Project 30x 0.00344; 1000 Genomes Project 0.00359; ESP Exome Variant Server 0.00369; gnomAD 0.00388 and 0.00432; TOPMed 0.00479.
gnomAD v4.1: 1,239 of 1,612,900 alleles (0.077%); highest among the groups gnomAD compares: African/African-American, 1.4%; 7 homozygotes.

Submissions (6):

Labcorp Genetics (formerly Invitae), Labcorp
Classification: Benign. Last evaluated: 2026-01-13. Review status: criteria provided, single submitter. Criteria: Invitae Variant Classification Sherloc (09022015). Collection method: clinical testing. Allele origin: germline.

Blueprint Genetics
Classification: Likely benign. Last evaluated: 2024-10-02. Review status: criteria provided, single submitter. Criteria: ACMG Guidelines, 2015. Collection method: clinical testing. Allele origin: germline.

CeGaT Center for Human Genetics Tuebingen
Classification: Benign. Last evaluated: 2023-01-01. Review status: criteria provided, single submitter. Criteria: CeGaT Center For Human Genetics Tuebingen Variant Classification Criteria Version 2. Collection method: clinical testing. Allele origin: germline. Affected: yes. Observed: 1 variant allele.
Comment: CDT1: BP4, BS1, BS2

Genetic Services Laboratory, University of Chicago
Classification: Benign. Last evaluated: 2017-04-19. Review status: criteria provided, single submitter. Criteria: ACMG Guidelines, 2015. Collection method: clinical testing. Allele origin: germline. Affected: no.

PreventionGenetics, part of Exact Sciences
Classification: Likely benign for CDT1-related condition. Last evaluated: 2024-08-14. Review status: no assertion criteria provided. Collection method: clinical testing. Allele origin: germline. Not counted in ClinVar's aggregate classification.
Comment: This variant is classified as likely benign based on ACMG/AMP sequence variant interpretation guidelines (Richards et al. 2015 PMID: 25741868, with internal and published modifications).

Dr. Peter K. Rogan Lab, Western University
No classification provided (evidence only). Condition: Familial cancer of breast. Review status: no classification provided. Collection method: in vitro. Allele origin: not applicable. Functional consequence: retained intron. Not counted in ClinVar's aggregate classification.